The following is an entry in ClinVar:

NM_000153.4(GALC):c.102_103delinsAT (p.Cys34_Ala35delinsTer)

Gene: GALC (galactosylceramidase; minus strand). Cytogenetic location: 14q31.3.
Variant type: Indel.
Coding change: c.102_103delinsAT on transcript NM_000153.4 (MANE Select); coding-DNA positions 102 to 103, TG replaced by AT.
Protein change: p.Cys34_Ala35delinsTer.
Molecular consequence: nonsense. On other transcripts: intron variant (1).
Genome position (GRCh38, 1-based): chr14:87,993,062-87,993,063, CA replaced by AT on the plus strand (TG replaced by AT on the coding strand, the reverse complement: GALC is on the minus strand). VCF-style: chr14-87993062-CA-AT. GRCh37 (hg19) VCF-style: chr14-88459406-CA-AT.
Other names: c.102_103delinsAT, p.Cys34_Ala35delinsTer (NM_001201401.2); c.117+320_117+321delinsAT (NM_001201402.2).
Identifiers: ClinVar variation 1455878 (VCV001455878.6), dbSNP rs2139769498, ClinGen allele CA2573150204.

ClinVar aggregate classification (germline): Pathogenic (1 of 4 stars; one submission).

Conditions:
Galactosylceramide beta-galactosidase deficiency. Also called: GALACTOCEREBROSIDASE DEFICIENCY; GALC DEFICIENCY; GLOBOID CELL LEUKOENCEPHALOPATHY; Krabbe Disease; Leukodystrophy, Globoid Cell. Identifiers: Orphanet 487, MedGen C0023521, MONDO:0009499, OMIM 245200.

Submission:

Labcorp Genetics (formerly Invitae), Labcorp
Classification: Pathogenic for Galactosylceramide beta-galactosidase deficiency. Last evaluated: 2024-10-16. Review status: criteria provided, single submitter. Criteria: Invitae Variant Classification Sherloc (09022015). Collection method: clinical testing. Allele origin: germline.
Comment: This sequence change creates a premature translational stop signal (p.Cys34*) in the GALC gene. It is expected to result in an absent or disrupted protein product. Loss-of-function variants in GALC are known to be pathogenic (PMID: 7437911, 9272171, 16607461). Information on the frequency of this variant in the gnomAD database is not available, as this variant may be reported differently in the database. This variant has not been reported in the literature in individuals affected with GALC-related conditions. ClinVar contains an entry for this variant (Variation ID: 1455878). For these reasons, this variant has been classified as Pathogenic.

Literature cited by the submitters: PubMed 7437911; PubMed 9272171; PubMed 16607461.